The following is an entry in ClinVar:

NM_058216.3(RAD51C):c.1092C>T (p.Ser364=)

Gene: RAD51C (RAD51 paralog C; plus strand). Cytogenetic location: 17q22.
Variant type: single nucleotide variant.
Coding change: c.1092C>T on transcript NM_058216.3 (MANE Select); coding-DNA position 1092, C replaced by T.
Protein change: p.Ser364=; no amino-acid change (serine 364 retained).
Molecular consequence: synonymous variant. On other transcripts: non-coding transcript variant (1).
Genome position (GRCh38, 1-based): chr17:58,734,183, C>T. VCF-style: chr17-58734183-C-T. GRCh37 (hg19) VCF-style: chr17-56811544-C-T.
Identifiers: ClinVar variation 515636 (VCV000515636.10), dbSNP rs863224805, ClinGen allele CA501076200.

ClinVar aggregate classification (germline): Likely benign. Review status: criteria provided, multiple submitters, no conflicts (2 of 4 stars). 2 submissions from 2 submitters: Likely benign (2). Last evaluated 2018-02-17.

Conditions:
Fanconi anemia complementation group O. Also called: RAD51C-Related Fanconi Anemia. Identifiers: Orphanet 84, MedGen C3150653, MONDO:0013248, OMIM 613390.

gnomAD v4.1: 1 of 1,613,376 alleles (0.000062%); highest among the groups gnomAD compares: Non-Finnish European, 0.000085%; no homozygotes.

Submissions (2):

Labcorp Genetics (formerly Invitae), Labcorp
Classification: Likely benign for Fanconi anemia complementation group O. Last evaluated: 2018-02-17. Review status: criteria provided, single submitter. Criteria: Invitae Variant Classification Sherloc (09022015). Collection method: clinical testing. Allele origin: germline.

GeneDx
Classification: Likely benign. Last evaluated: 2018-02-15. Review status: criteria provided, single submitter. Criteria: GeneDx Variant Classification (06012015). Collection method: clinical testing. Allele origin: germline. Affected: yes.
Comment: This variant is considered likely benign or benign based on one or more of the following criteria: it is a conservative change, it occurs at a poorly conserved position in the protein, it is predicted to be benign by multiple in silico algorithms, and/or has population frequency not consistent with disease.